The following is an entry in ClinVar:

ClinVar aggregate classification (germline): Likely benign. Review status: criteria provided, multiple submitters, no conflicts (2 of 4 stars). 4 submissions from 4 submitters: Likely benign (4). Last evaluated 2025-07-09.

Conditions:
Loeys-Dietz syndrome 2 (LDS2). Also called: TGFBR2-Related Loeys-Dietz Syndrome; AORTIC ANEURYSM, FAMILIAL THORACIC 3; MARFAN SYNDROME, TYPE II; Marfan Syndrome type 2; Marfan like connective tissue disorder; MFS 2. Identifiers: Orphanet 284973, Orphanet 558, MedGen C2674574, MONDO:0012427, OMIM 610168.
Familial thoracic aortic aneurysm and aortic dissection (TAAD). Also called: Thoracic aortic aneurysms and dissections. Identifiers: Orphanet 91387, MedGen C4707243, MONDO:0019625.

Allele frequency attached by ClinVar (database versions not stated): gnomAD 0.00001; gnomAD exomes 0.00004; ExAC 0.00007.
gnomAD v4.1: 31 of 1,614,208 alleles (0.0019%); highest among the groups gnomAD compares: South Asian, 0.027%; no homozygotes.

Submissions (4):

Labcorp Genetics (formerly Invitae), Labcorp
Classification: Likely benign for Familial thoracic aortic aneurysm and aortic dissection. Last evaluated: 2025-07-09. Review status: criteria provided, single submitter. Criteria: Invitae Variant Classification Sherloc (09022015). Collection method: clinical testing. Allele origin: germline.

All of Us Research Program, National Institutes of Health
Classification: Likely benign for Loeys-Dietz syndrome 2. Last evaluated: 2024-08-13. Review status: criteria provided, single submitter. Criteria: ACMG Guidelines, 2015. Collection method: clinical testing. Allele origin: germline. Inheritance: Autosomal dominant inheritance. Observed: 2 variant alleles, 2 heterozygotes.
Comment: This study involves interpretation of variants in research participants for the purpose of population health screening. Participant phenotype was not available at the time of variant classification. Additional details can be found in publication PMID: 35346344, PMCID: PMC8962531

Ambry Genetics
Classification: Likely benign for Familial thoracic aortic aneurysm and aortic dissection. Last evaluated: 2021-09-26. Review status: criteria provided, single submitter. Criteria: Ambry Variant Classification Scheme 2023. Collection method: clinical testing. Allele origin: germline.

Color Diagnostics, LLC DBA Color Health
Classification: Likely benign for Familial thoracic aortic aneurysm and aortic dissection. Last evaluated: 2019-06-26. Review status: criteria provided, single submitter. Criteria: ACMG Guidelines, 2015. Collection method: clinical testing. Allele origin: germline.

NM_003242.6(TGFBR2):c.696C>T (p.Ala232=)

Gene: TGFBR2 (transforming growth factor beta receptor 2; plus strand). Cytogenetic location: 3p24.1.
Variant type: single nucleotide variant.
Coding change: c.696C>T on transcript NM_003242.6 (MANE Select); coding-DNA position 696, C replaced by T.
Protein change: p.Ala232=; no amino-acid change (alanine 232 retained).
Molecular consequence: synonymous variant. On other transcripts: intron variant (1).
Genome position (GRCh38, 1-based): chr3:30,671,879, C>T. VCF-style: chr3-30671879-C-T. GRCh37 (hg19) VCF-style: chr3-30713371-C-T.
Other names: c.771C>T, p.Ala257= (NM_001024847.3); c.879C>T, p.Ala293= (NM_001407126.1); c.804C>T, p.Ala268= (NM_001407127.1); c.723C>T, p.Ala241= (NM_001407128.1); c.699C>T, p.Ala233= (NM_001407129.1); c.696C>T, p.Ala232= (NM_001407130.1); c.591C>T, p.Ala197= (NM_001407132.1, NM_001407133.1, NM_001407134.1 and 2 more transcripts); c.411C>T, p.Ala137= (NM_001407137.1); and 2 more.
Identifiers: ClinVar variation 344659 (VCV000344659.19), dbSNP rs768508812, ClinGen allele CA049716.